The following is an entry in ClinVar:

NM_177438.3(DICER1):c.1979A>G (p.Asp660Gly)

Gene: DICER1 (dicer 1, ribonuclease III; minus strand). Cytogenetic location: 14q32.13.
Variant type: single nucleotide variant.
Coding change: c.1979A>G on transcript NM_177438.3 (MANE Select); coding-DNA position 1979, A replaced by G.
Protein change: p.Asp660Gly; replaces aspartic acid 660 with glycine.
Molecular consequence: missense variant.
Genome position (GRCh38, 1-based): chr14:95,113,153, T>C on the plus strand (A>G on the coding strand, the complement: DICER1 is on the minus strand). VCF-style: chr14-95113153-T-C. GRCh37 (hg19) VCF-style: chr14-95579490-T-C.
Other names: c.1979A>G, p.Asp660Gly (NM_001195573.1, NM_001271282.3, NM_001291628.2 and 1 more transcripts); short protein forms D660G.
Identifiers: ClinVar variation 479612 (VCV000479612.22), dbSNP rs151272381, ClinGen allele CA7331349.
Genomic context (GRCh38, chr14:95,113,153, plus strand): 5'-ACAATGGAGGCTCGAAGAGGTGAGTTAATTGGCAGATAAAGAGTTGAATAAAATGTACCA[T>C]CAGGCAACTCTCGGGTTCTGCATTTAGGAGCTAGATGAGTAAACGGATCACTTGGTAATC-3'
Protein context (NP_803187.1, residues 650-670): APKCRTRELP[Asp660Gly]GTFYSTLYLP

ClinVar aggregate classification (germline): Uncertain significance. Review status: criteria provided, multiple submitters, no conflicts (2 of 4 stars). 6 submissions from 6 submitters: Uncertain significance (6). Last evaluated 2026-08-06.

Conditions:
Global developmental delay - lung cysts - overgrowth - Wilms tumor syndrome. Also called: GLOBAL DEVELOPMENTAL DELAY, LUNG CYSTS, OVERGROWTH, AND WILMS TUMOR; GLOW Syndrome. Identifiers: Orphanet 404476, MedGen C4748924, MONDO:0018445, OMIM 618272.
DICER1-related tumor predisposition. Also called: DICER1 syndrome; DICER1-related pleuropulmonary blastoma cancer predisposition syndrome. Identifiers: Orphanet 284343, MedGen C3839822, MONDO:0100216.
Hereditary cancer-predisposing syndrome. Also called: Neoplastic Syndromes, Hereditary; Hereditary Cancer Syndrome; Tumor predisposition; Hereditary neoplastic syndrome. Identifiers: Orphanet 140162, MedGen C0027672, MeSH D009386, MONDO:0015356.
Rhabdomyosarcoma, embryonal, 2 (RMSE2). Identifiers: MedGen C1867234, MONDO:0859046, OMIM 180295.

Allele frequency attached by ClinVar (database versions not stated): gnomAD exomes 0.00001 and 0.00002; ExAC 0.00002; TOPMed 0.00004; gnomAD 0.00006 and 0.00007; ESP Exome Variant Server 0.00015; 1000 Genomes Project 0.00040; 1000 Genomes Project 30x 0.00047.
gnomAD v4.1: 22 of 1,613,480 alleles (0.0014%); highest among the groups gnomAD compares: African/African-American, 0.027%; no homozygotes.

Submissions (6):

OLLIN Analises Genomicas, OLLIN
Classification: Uncertain significance for Rhabdomyosarcoma, embryonal, 2. Last evaluated: 2026-08-06. Review status: criteria provided, single submitter. Criteria: ACMG Guidelines 2015 PMID 25741868. Collection method: clinical testing. Allele origin: germline.
Comment: This missense variant, located in exon 12 (of 27), has been reported in ClinVar (accession VCV000479612.21) and in gnomAD with an allele frequency of 0.0014%. However, to our knowledge, it has not been reported in the scientific literature. In silico analysis predicts that this variant has a tolerated effect. According to the currently available evidence, this variant has been classified as uncertain significance (BP4).

Labcorp Genetics (formerly Invitae), Labcorp
Classification: Uncertain significance for DICER1-related tumor predisposition. Last evaluated: 2026-01-18. Review status: criteria provided, single submitter. Criteria: Invitae Variant Classification Sherloc (09022015). Collection method: clinical testing. Allele origin: germline.
Comment: This sequence change replaces aspartic acid, which is acidic and polar, with glycine, which is neutral and non-polar, at codon 660 of the DICER1 protein (p.Asp660Gly). This variant is present in population databases (rs151272381, gnomAD 0.02%). This variant has not been reported in the literature in individuals affected with DICER1-related conditions. ClinVar contains an entry for this variant (Variation ID: 479612). Invitae Evidence Modeling of protein sequence and biophysical properties (such as structural, functional, and spatial information, amino acid conservation, physicochemical variation, residue mobility, and thermodynamic stability) indicates that this missense variant is not expected to disrupt DICER1 protein function with a negative predictive value of 95%. RNA analysis performed to evaluate the impact of this missense change on mRNA splicing indicates it does not significantly alter splicing (internal data). In summary, the available evidence is currently insufficient to determine the role of this variant in disease. Therefore, it has been classified as a Variant of Uncertain Significance.

Ambry Genetics
Classification: Uncertain significance for Hereditary cancer-predisposing syndrome. Last evaluated: 2025-10-07. Review status: criteria provided, single submitter. Criteria: Ambry Variant Classification Scheme 2023. Collection method: clinical testing. Allele origin: germline.

GeneDx
Classification: Uncertain significance. Last evaluated: 2025-05-20. Review status: criteria provided, single submitter. Criteria: GeneDx Variant Classification Process June 2021. Collection method: clinical testing. Allele origin: germline. Affected: yes.
Comment: In silico analysis suggests that this missense variant does not alter protein structure/function; Has not been previously published as pathogenic or benign to our knowledge

Baylor Genetics
Classification: Uncertain significance for Global developmental delay - lung cysts - overgrowth - Wilms tumor syndrome. Last evaluated: 2023-09-28. Review status: criteria provided, single submitter. Criteria: ACMG Guidelines, 2015. Collection method: clinical testing. Allele origin: unknown.

Sema4
Classification: Uncertain significance for Hereditary cancer-predisposing syndrome. Last evaluated: 2021-12-29. Review status: criteria provided, single submitter. Criteria: Sema4 Curation Guidelines. Collection method: curation. Allele origin: germline.
Comment: To the best of our knowledge, the DICER1 c.1979A>G (p.D660G) variant has not been reported in individuals with DICER1-related disease. This variant was observed in 5/24970 chromosomes in the African/African American subpopulation, according to the Genome Aggregation Database (PMID: 32461654). This variant has been reported in ClinVar (Variation ID: 479612). Functional studies have not been performed, and in silico predictions of the variant's effect on protein function are inconclusive. The evidence is insufficient to meet ACMG/AMP criteria for classifying the variant as benign or pathogenic. Thus, the clinical significance of this variant is currently uncertain.